The following is an entry in ClinVar:

ClinVar aggregate classification (germline): Conflicting classifications of pathogenicity. Review status: criteria provided, conflicting classifications (1 of 4 stars). 11 submissions from 10 submitters: Uncertain significance (3); Likely benign (7). 1 of the submissions does not count toward it. Last evaluated 2026-06-11.

Conditions:
MYH9-related disorder. Identifiers: MedGen C1854520.
Macrothrombocytopenia and granulocyte inclusions with or without nephritis or sensorineural hearing loss (MATINS). Also called: MYH9-Related Disease (MYH9-RD); BLEEDING DISORDER, PLATELET-TYPE, 6; MACROTHROMBOCYTOPENIA WITH LEUKOCYTE INCLUSIONS; MAY-HEGGLIN ANOMALY; DOHLE LEUKOCYTE INCLUSIONS WITH GIANT PLATELETS; MACROTHROMBOCYTOPENIA WITH DISPERSED LEUKOCYTIC INCLUSIONS. Identifiers: Orphanet 182050, MedGen C5200934, MONDO:0015912, OMIM 155100.
Autosomal dominant nonsyndromic hearing loss 17. Also called: Autosomal dominant nonsyndromic deafness 17; Deafness, autosomal dominant 17. Identifiers: Orphanet 90635, MedGen C1863659, MONDO:0011350, OMIM 603622.

Allele frequency attached by ClinVar (database versions not stated): ESP Exome Variant Server 0.00008; ExAC 0.00030; gnomAD exomes 0.00032 and 0.00034; gnomAD 0.00040 and 0.00044; TOPMed 0.00043.
gnomAD v4.1: 565 of 1,613,794 alleles (0.035%); highest among the groups gnomAD compares: Middle Eastern, 0.082%; 1 homozygote.

Submissions (11):

Women's Health and Genetics/Laboratory Corporation of America, LabCorp
Classification: Likely benign. Last evaluated: 2026-06-11. Review status: criteria provided, single submitter. Criteria: LabCorp Variant Classification Summary - May 2015. Collection method: clinical testing. Allele origin: germline.
Comment: Variant summary: MYH9 c.3340T>C (p.Ser1114Pro) results in a non-conservative amino acid change located in the Myosin tail domain (IPR002928) of the encoded protein sequence. Algorithms developed to predict the effect of missense changes on protein structure and function are either unavailable or do not agree on the potential impact of this missense change. The variant allele was found at a frequency of 0.00035 in 1613794 control chromosomes, predominantly at a frequency of 0.0013 within the Ashkenazi Jewish subpopulation in the gnomAD database. The observed variant frequency within Ashkenazi Jewish control individuals in the gnomAD database exceeds the estimated maximal expected allele frequency for disease-causing variants in MYH9. c.3340T>C has been reported in the literature in individuals affected with Alport syndrome with macrothrombocytopenia, Hereditary chronic kidney disease or Hearing loss (Heath_2001, Sheppard_2018, Popp_2022). These reports do not provide unequivocal conclusions about association of the variant with disease. To our knowledge, no experimental evidence demonstrating an impact on protein function has been reported. The following publications have been ascertained in the context of this evaluation (PMID: 30245029, 11590545, 36100708, 29907799). ClinVar contains an entry for this variant (Variation ID: 164442). Based on the evidence outlined above, the variant was classified as likely benign.

Labcorp Genetics (formerly Invitae), Labcorp
Classification: Likely benign. Last evaluated: 2026-01-25. Review status: criteria provided, single submitter. Criteria: Invitae Variant Classification Sherloc (09022015). Collection method: clinical testing. Allele origin: germline.

CeGaT Center for Human Genetics Tuebingen
Classification: Likely benign. Last evaluated: 2025-07-01. Review status: criteria provided, single submitter. Criteria: CeGaT Center For Human Genetics Tuebingen Variant Classification Criteria Version 2. Collection method: clinical testing. Allele origin: germline. Affected: yes. Observed: 3 variant alleles.
Comment: MYH9: BS2

Blueprint Genetics
Classification: Likely benign. Last evaluated: 2024-11-01. Review status: criteria provided, single submitter. Criteria: ACMG Guidelines, 2015. Collection method: clinical testing. Allele origin: germline.

Revvity Omics, Revvity
Classification: Uncertain significance. Last evaluated: 2024-01-26. Review status: criteria provided, single submitter. Criteria: ACMG Guidelines, 2015. Collection method: clinical testing. Allele origin: germline.

GeneDx
Classification: Uncertain significance. Last evaluated: 2023-07-18. Review status: criteria provided, single submitter. Criteria: GeneDx Variant Classification Process June 2021. Collection method: clinical testing. Allele origin: germline. Affected: yes.
Comment: Reported in unrelated patients with MYH9-related disease, however, some of these individuals also harbored an additional disease causing variant on the same allele (in cis) (Heath et al., 2001; Saposnik et al., 2014; Westbury et al., 2015); In silico analysis, which includes protein predictors and evolutionary conservation, supports a deleterious effect; This variant is associated with the following publications: (PMID: 28368695, 25077172, 30245029, 20588287, 25949529, 29907799, 23804846, 30720677, 11590545)

Mendelics
Classification: Uncertain significance for Macrothrombocytopenia and granulocyte inclusions with or without nephritis or sensorineural hearing loss. Last evaluated: 2019-05-28. Review status: criteria provided, single submitter. Criteria: Mendelics Assertion Criteria 2017. Collection method: clinical testing. Allele origin: unknown.

Illumina Laboratory Services, Illumina
Classification: Likely benign for MYH9-related disorder. Last evaluated: 2017-04-27. Review status: criteria provided, single submitter. Criteria: ICSL Variant Classification Criteria 13 December 2019. Collection method: clinical testing. Allele origin: germline.
Comment: This variant was observed as part of a predisposition screen in an ostensibly healthy population. A literature search was performed for the gene, cDNA change, and amino acid change (where applicable). Publications were found based on this search. The evidence from the literature, in combination with allele frequency data from public databases where available, was sufficient to determine this variant is unlikely to cause disease. Therefore, this variant is classified as likely benign.

Illumina Laboratory Services, Illumina
Classification: Likely benign for Autosomal dominant nonsyndromic hearing loss 17. Last evaluated: 2017-04-27. Review status: criteria provided, single submitter. Criteria: ICSL Variant Classification Criteria 13 December 2019. Collection method: clinical testing. Allele origin: germline.
Comment: the same text as in the submission from Illumina Laboratory Services, Illumina above.

Laboratory for Molecular Medicine, Mass General Brigham Personalized Medicine
Classification: Likely benign. Last evaluated: 2017-04-27. Review status: criteria provided, single submitter. Criteria: LMM Criteria. Collection method: clinical testing. Allele origin: germline. Observed: 3 variant alleles.
Comment: p.Ser1114Pro in exon 26 of MYH9: This variant is not expected to have clinical significance because it has been identified in 0.1% (10/10128) of Ashkenazi Jewi sh chromosomes and in 0.05% (68/126464) of European chromosomes by the Genome Ag gregation Database (gnomAD; dbSNP rs200901330) , which is higher than expected based on the estimated prevalence of 1-9/1,000,0 00 of MYH9-related disorder (MYH9-related disease, Orpha:182050).

PreventionGenetics, part of Exact Sciences
Classification: Likely benign for MYH9-related condition. Last evaluated: 2022-12-20. Review status: no assertion criteria provided. Collection method: clinical testing. Allele origin: germline. Not counted in ClinVar's aggregate classification.
Comment: This variant is classified as likely benign based on ACMG/AMP sequence variant interpretation guidelines (Richards et al. 2015 PMID: 25741868, with internal and published modifications).

Literature cited by the submitters: PubMed 30245029 (cited by Women's Health and Genetics/Laboratory Corporation of America, LabCorp); PubMed 29907799 (cited by Women's Health and Genetics/Laboratory Corporation of America, LabCorp); PubMed 11590545 (cited by 3 submitters); PubMed 36100708 (cited by Women's Health and Genetics/Laboratory Corporation of America, LabCorp); PubMed 25077172 (cited by Illumina Laboratory Services, Illumina and Laboratory for Molecular Medicine, Mass General Brigham Personalized Medicine); PubMed 25949529 (cited by Illumina Laboratory Services, Illumina); PubMed 23804846 (cited by Illumina Laboratory Services, Illumina); PubMed 20588287 (cited by Laboratory for Molecular Medicine, Mass General Brigham Personalized Medicine); PubMed 24643058 (cited by Laboratory for Molecular Medicine, Mass General Brigham Personalized Medicine).

NM_002473.6(MYH9):c.3340T>C (p.Ser1114Pro)

Gene: MYH9 (myosin heavy chain 9; minus strand). Cytogenetic location: 22q12.3.
Variant type: single nucleotide variant.
Coding change: c.3340T>C on transcript NM_002473.6 (MANE Select); coding-DNA position 3340, T replaced by C.
Protein change: p.Ser1114Pro; replaces serine 1114 with proline.
Molecular consequence: missense variant.
Genome position (GRCh38, 1-based): chr22:36,295,650, A>G on the plus strand (T>C on the coding strand, the complement: MYH9 is on the minus strand). VCF-style: chr22-36295650-A-G. GRCh37 (hg19) VCF-style: chr22-36691696-A-G.
Other names: c.3340T>C (NM_002473.5); short protein forms S1114P.
Identifiers: ClinVar variation 164442 (VCV000164442.55), dbSNP rs200901330, ClinGen allele CA177103.